The following is an entry in ClinVar:

ClinVar aggregate classification (germline): Uncertain significance. Review status: criteria provided, multiple submitters, no conflicts (2 of 4 stars). 2 submissions from 2 submitters: Uncertain significance (2). Last evaluated 2026-07-06.

Conditions:
Hereditary cancer-predisposing syndrome. Also called: Hereditary neoplastic syndrome; Hereditary Cancer Syndrome; Neoplastic Syndromes, Hereditary; Tumor predisposition. Identifiers: Orphanet 140162, MedGen C0027672, MeSH D009386, MONDO:0015356.

Submissions (2):

Ambry Genetics
Classification: Uncertain significance for Hereditary cancer-predisposing syndrome. Last evaluated: 2026-07-06. Review status: criteria provided, single submitter. Criteria: Ambry Variant Classification Scheme 2023. Collection method: clinical testing. Allele origin: germline.
Comment: The p.D168E variant (also known as c.504T>A), located in coding exon 4 of the SUFU gene, results from a T to A substitution at nucleotide position 504. The aspartic acid at codon 168 is replaced by glutamic acid, an amino acid with highly similar properties. This amino acid position is conserved. In addition, the in silico prediction for this alteration is inconclusive. Based on the available evidence, the clinical significance of this variant remains unclear.

GeneDx
Classification: Uncertain significance. Last evaluated: 2023-05-10. Review status: criteria provided, single submitter. Criteria: GeneDx Variant Classification Process June 2021. Collection method: clinical testing. Allele origin: germline. Affected: yes.
Comment: Not observed at significant frequency in large population cohorts (gnomAD); In silico analysis supports that this missense variant has a deleterious effect on protein structure/function; Has not been previously published as pathogenic or benign to our knowledge; This variant is associated with the following publications: (PMID: 24311597)

NM_016169.4(SUFU):c.504T>A (p.Asp168Glu)

Gene: SUFU (SUFU negative regulator of hedgehog signaling; plus strand). Cytogenetic location: 10q24.32.
Variant type: single nucleotide variant.
Coding change: c.504T>A on transcript NM_016169.4 (MANE Select); coding-DNA position 504, T replaced by A.
Protein change: p.Asp168Glu; replaces aspartic acid 168 with glutamic acid.
Molecular consequence: missense variant.
Genome position (GRCh38, 1-based): chr10:102,592,631, T>A. VCF-style: chr10-102592631-T-A. GRCh37 (hg19) VCF-style: chr10-104352388-T-A.
Other names: c.504T>A, p.Asp168Glu (NM_001178133.2); short protein forms D168E.
Identifiers: ClinVar variation 2663127 (VCV002663127.2), dbSNP rs2545081045, ClinGen allele CA377908273.